The following is an entry in ClinVar:

NM_001035.3(RYR2):c.12925A>G (p.Ile4309Val)

Genes: RYR2 (ryanodine receptor 2; plus strand), LOC126806068 (BRD4-independent group 4 enhancer GRCh37_chr1:237947411-237948610; plus strand). Cytogenetic location: 1q43.
Variant type: single nucleotide variant.
Coding change: c.12925A>G on transcript NM_001035.3 (MANE Select); coding-DNA position 12925, A replaced by G.
Protein change: p.Ile4309Val; replaces isoleucine 4309 with valine.
Molecular consequence: missense variant.
Genome position (GRCh38, 1-based): chr1:237,784,637, A>G. VCF-style: chr1-237784637-A-G. GRCh37 (hg19) VCF-style: chr1-237947937-A-G.
Other names: short protein forms I4309V.
Identifiers: ClinVar variation 2499319 (VCV002499319.2), dbSNP rs2527795368, ClinGen allele CA345414719.

ClinVar aggregate classification (germline): Uncertain significance (1 of 4 stars; one submission).

Allele frequency attached by ClinVar (database versions not stated): gnomAD exomes below 0.00001.
gnomAD v4.1: 2 of 1,613,548 alleles (0.00012%); highest among the groups gnomAD compares: Non-Finnish European, 0.00017%; no homozygotes.

Submission:

GeneDx
Classification: Uncertain significance. Last evaluated: 2023-07-05. Review status: criteria provided, single submitter. Criteria: GeneDx Variant Classification Process June 2021. Collection method: clinical testing. Allele origin: germline.
Comment: Not observed at significant frequency in large population cohorts (gnomAD); In silico analysis supports that this missense variant does not alter protein structure/function; Not located in one of the three hot-spot regions of the RYR2 gene, where the majority of pathogenic missense variants occur (Medeiros-Domingo et al., 2009); Has not been previously published as pathogenic or benign to our knowledge; This variant is associated with the following publications: (PMID: 19926015)